The following is an entry in ClinVar:

NM_001166114.2(PNPLA6):c.3292C>T (p.Arg1098Trp)

Gene: PNPLA6 (patatin like domain 6, lysophospholipase; plus strand). Cytogenetic location: 19p13.2.
Variant type: single nucleotide variant.
Coding change: c.3292C>T on transcript NM_001166114.2 (MANE Select); coding-DNA position 3292, C replaced by T.
Protein change: p.Arg1098Trp; replaces arginine 1098 with tryptophan.
Molecular consequence: missense variant.
Genome position (GRCh38, 1-based): chr19:7,557,179, C>T. VCF-style: chr19-7557179-C-T. GRCh37 (hg19) VCF-style: chr19-7622065-C-T.
Other names: c.3322C>T, p.Arg1108Trp (NM_001166111.2); c.3097C>T, p.Arg1033Trp (NM_001166112.2); c.3178C>T, p.Arg1060Trp (NM_001166113.1, NM_006702.5); short protein forms R1033W, R1060W, R1108W, R1098W.
Identifiers: ClinVar variation 2972174 (VCV002972174.3), dbSNP rs1405021041, ClinGen allele CA403133695.
Genomic context (GRCh38, chr19:7,557,179, plus strand): 5'-TGTCTGAGCGTGTCTGTGCGTGTTTGTGTCTGTGTGTCCCACCGCGCAGGCTCCCTGTGG[C>T]GGTACGTGCGCGCCAGCATGACGCTGTCGGGCTACCTGCCCCCGCTGTGCGACCCCAAGG-3'
Protein context (NP_001159586.1, residues 1088-1108): MRVHKDGSLW[Arg1098Trp]YVRASMTLSG

ClinVar aggregate classification (germline): Pathogenic (1 of 4 stars; one submission).

Conditions:
Hereditary spastic paraplegia 39 (SPG39). Also called: SPASTIC PARAPLEGIA 39, AUTOSOMAL RECESSIVE; Spastic Paraplegia Type 39 (SPG39). Identifiers: Orphanet 139480, MedGen C2677586, MONDO:0012787, OMIM 612020.

Allele frequency attached by ClinVar (database versions not stated): gnomAD exomes 0.00001.
gnomAD v4.1: 7 of 1,611,712 alleles (0.00043%); highest among the groups gnomAD compares: Non-Finnish European, 0.00059%; no homozygotes.

Submission:

Labcorp Genetics (formerly Invitae), Labcorp
Classification: Pathogenic for Hereditary spastic paraplegia 39. Last evaluated: 2024-10-03. Review status: criteria provided, single submitter. Criteria: Invitae Variant Classification Sherloc (09022015). Collection method: clinical testing. Allele origin: germline.
Comment: This sequence change replaces arginine, which is basic and polar, with tryptophan, which is neutral and slightly polar, at codon 1060 of the PNPLA6 protein (p.Arg1060Trp). This variant is present in population databases (no rsID available, gnomAD 0.0009%). This missense change has been observed in individual(s) with Boucher-Neuhäuser syndrome and/or Oliver-McFarlane syndrome (PMID: 25574898, 34234304). In at least one individual the data is consistent with being in trans (on the opposite chromosome) from a pathogenic variant. This variant is also known as p.Arg1108Trp. Invitae Evidence Modeling of protein sequence and biophysical properties (such as structural, functional, and spatial information, amino acid conservation, physicochemical variation, residue mobility, and thermodynamic stability) indicates that this missense variant is expected to disrupt PNPLA6 protein function with a positive predictive value of 80%. For these reasons, this variant has been classified as Pathogenic.

Literature cited by the submitters: PubMed 25574898; PubMed 34234304.